The following is an entry in ClinVar:

NM_004667.6(HERC2):c.7317C>T (p.Ala2439=)

Gene: HERC2 (HECT and RLD domain containing E3 ubiquitin protein ligase 2; minus strand). Cytogenetic location: 15q13.1.
Variant type: single nucleotide variant.
Coding change: c.7317C>T on transcript NM_004667.6 (MANE Select); coding-DNA position 7317, C replaced by T.
Protein change: p.Ala2439=; no amino-acid change (alanine 2439 retained).
Molecular consequence: synonymous variant.
Genome position (GRCh38, 1-based): chr15:28,202,510, G>A on the plus strand (C>T on the coding strand, the complement: HERC2 is on the minus strand). VCF-style: chr15-28202510-G-A. GRCh37 (hg19) VCF-style: chr15-28447656-G-A.
Identifiers: ClinVar variation 4533799 (VCV004533799.6).

ClinVar aggregate classification (germline): Likely benign (1 of 4 stars; one submission).

Submission:

CeGaT Center for Human Genetics Tuebingen
Classification: Likely benign. Last evaluated: 2025-11-01. Review status: criteria provided, single submitter. Criteria: CeGaT Center For Human Genetics Tuebingen Variant Classification Criteria Version 2. Collection method: clinical testing. Allele origin: germline. Affected: yes. Observed: 1 variant allele.
Comment: HERC2: BP4, BP7